The following is an entry in ClinVar:

ClinVar aggregate classification (germline): Likely pathogenic (1 of 4 stars; one submission).

Conditions:
Ehlers-Danlos syndrome, cardiac valvular type. Identifiers: Orphanet 230851, MedGen C4303789, MONDO:0009159, OMIM 225320.

gnomAD v4.1: 1 of 1,614,112 alleles (0.000062%); no homozygotes.

Submission:

First Genomix Gene Laboratory, Genetic Diagnostics Department
Classification: Likely pathogenic for Ehlers-Danlos syndrome, cardiac valvular type. Last evaluated: 2025-07-16. Review status: criteria provided, single submitter. Criteria: ACMG Guidelines, 2015. Collection method: clinical testing. Allele origin: germline. Inheritance: Autosomal recessive inheritance. Affected: no. Observed: 1 variant allele.

NM_000089.4(COL1A2):c.2618T>C (p.Leu873Pro)

Gene: COL1A2 (collagen type I alpha 2 chain; plus strand). Cytogenetic location: 7q21.3.
Variant type: single nucleotide variant.
Coding change: c.2618T>C on transcript NM_000089.4 (MANE Select); coding-DNA position 2618, T replaced by C.
Protein change: p.Leu873Pro; replaces leucine 873 with proline.
Molecular consequence: missense variant.
Genome position (GRCh38, 1-based): chr7:94,424,388, T>C. VCF-style: chr7-94424388-T-C. GRCh37 (hg19) VCF-style: chr7-94053700-T-C.
Other names: short protein forms L873P.
Identifiers: ClinVar variation 4849378 (VCV004849378.1).